The following is an entry in ClinVar:

ClinVar aggregate classification (germline): Pathogenic (1 of 4 stars; one submission).

Conditions:
RYR1-related disorder. Also called: RYR1-related condition; RYR1-related disorders. Identifiers: MedGen CN239331.

Submission:

Labcorp Genetics (formerly Invitae), Labcorp
Classification: Pathogenic for RYR1-related disorder. Last evaluated: 2022-06-20. Review status: criteria provided, single submitter. Criteria: Invitae Variant Classification Sherloc (09022015). Collection method: clinical testing. Allele origin: germline.
Comment: For these reasons, this variant has been classified as Pathogenic. This sequence change creates a premature translational stop signal (p.Glu3564Serfs*20) in the RYR1 gene. It is expected to result in an absent or disrupted protein product. Loss-of-function variants in RYR1 are known to be pathogenic (PMID: 20583297, 20839240, 23919265, 28818389). This variant is not present in population databases (gnomAD no frequency). This variant has not been reported in the literature in individuals affected with RYR1-related conditions. ClinVar contains an entry for this variant (Variation ID: 544447). Algorithms developed to predict the effect of sequence changes on RNA splicing suggest that this variant may disrupt the consensus splice site.

Literature cited by the submitters: PubMed 20583297; PubMed 20839240; PubMed 23919265; PubMed 28818389.

NM_000540.3(RYR1):c.10690_10703del (p.Glu3564fs)

Gene: RYR1 (ryanodine receptor 1; plus strand). Cytogenetic location: 19q13.2.
Variant type: Deletion.
Coding change: c.10690_10703del on transcript NM_000540.3 (MANE Select); coding-DNA positions 10690 to 10703, 14 bases deleted (GAAGGCTCCCCGTC).
Protein change: p.Glu3564fs; shifts the reading frame from glutamic acid 3564.
Molecular consequence: frameshift variant.
Genome position (GRCh38, 1-based): chr19:38,527,650-38,527,663, GAAGGCTCCCCGTC deleted; deleting any 14 consecutive bases within chr19:38,527,647-38,527,663 gives the same sequence; the c. name uses the placement nearest the transcript's 3' end. VCF-style (leftmost placement, unchanged base first): chr19-38527646-GGTCGAAGGCTCCCC-G. GRCh37 (hg19) VCF-style: chr19-39018286-GGTCGAAGGCTCCCC-G.
Other names: c.10675_10688del, p.Glu3559fs (NM_001042723.2); c.10690_10703delGAAGGCTCCCCGTC (NM_000540.2); short protein forms E3564fs, E3559fs.
Identifiers: ClinVar variation 544447 (VCV000544447.8), dbSNP rs1555790914, ClinGen allele CA658799197.